The following is an entry in ClinVar:

ClinVar aggregate classification (germline): Uncertain significance (1 of 4 stars; one submission).

gnomAD v4.1: 2 of 1,595,564 alleles (0.00013%); highest among the groups gnomAD compares: African/African-American, 0.0013%; no homozygotes.

Submission:

Ambry Genetics
Classification: Uncertain significance. Last evaluated: 2025-01-08. Review status: criteria provided, single submitter. Criteria: Ambry Variant Classification Scheme 2023. Collection method: clinical testing. Allele origin: germline.
Comment: The p.V1416L variant (also known as c.4246G>C), located in coding exon 14 of the CDK12 gene, results from a G to C substitution at nucleotide position 4246. The valine at codon 1416 is replaced by leucine, an amino acid with highly similar properties. This amino acid position is conserved. In addition, this alteration is predicted to be tolerated by in silico analysis. Based on the available evidence, the clinical significance of this variant remains unclear.

NM_016507.4(CDK12):c.4246G>C (p.Val1416Leu)

Gene: CDK12 (cyclin dependent kinase 12; plus strand). Cytogenetic location: 17q12.
Variant type: single nucleotide variant.
Coding change: c.4246G>C on transcript NM_016507.4 (MANE Select); coding-DNA position 4246, G replaced by C.
Protein change: p.Val1416Leu; replaces valine 1416 with leucine.
Molecular consequence: missense variant.
Genome position (GRCh38, 1-based): chr17:39,531,089, G>C. VCF-style: chr17-39531089-G-C. GRCh37 (hg19) VCF-style: chr17-37687342-G-C.
Other names: c.4219G>C, p.Val1407Leu (NM_015083.4); short protein forms V1416L, V1407L.
Identifiers: ClinVar variation 3830470 (VCV003830470.1).